The following is an entry in ClinVar:

NM_004104.5(FASN):c.5117C>T (p.Ala1706Val)

Gene: FASN (fatty acid synthase; minus strand). Cytogenetic location: 17q25.3.
Variant type: single nucleotide variant.
Coding change: c.5117C>T on transcript NM_004104.5 (MANE Select); coding-DNA position 5117, C replaced by T.
Protein change: p.Ala1706Val; replaces alanine 1706 with valine.
Molecular consequence: missense variant.
Genome position (GRCh38, 1-based): chr17:82,083,873, G>A on the plus strand (C>T on the coding strand, the complement: FASN is on the minus strand). VCF-style: chr17-82083873-G-A. GRCh37 (hg19) VCF-style: chr17-80041749-G-A.
Other names: short protein forms A1706V.
Identifiers: ClinVar variation 567458 (VCV000567458.11), dbSNP rs773684317, ClinGen allele CA8851811.
Genomic context (GRCh38, chr17:82,083,873, plus strand): 5'-GTGTCCCGGGAGTTGGCGAAGCTGGTGCTGTCGAGCTGGGGGAACCTGGCCTGGAGGTAC[G>A]CCCGCTTCTCAGCCGACCCTGGTGAAGAGAGGAAGCGCGGCTGGTGAGCCAGGGCGGCGG-3'
Protein context (NP_004095.4, residues 1696-1716): FTTVGSAEKR[Ala1706Val]YLQARFPQLD

ClinVar aggregate classification (germline): Uncertain significance (1 of 4 stars; one submission).

Conditions:
Epileptic encephalopathy. Identifiers: MedGen C0543888, HP:0200134.

Allele frequency attached by ClinVar (database versions not stated): gnomAD 0.00003 and 0.00004; TOPMed 0.00006; ExAC 0.00003.
gnomAD v4.1: 43 of 1,575,160 alleles (0.0027%); highest among the groups gnomAD compares: Middle Eastern, 0.017%; no homozygotes.

Submission:

Labcorp Genetics (formerly Invitae), Labcorp
Classification: Uncertain significance for Epileptic encephalopathy. Last evaluated: 2024-10-17. Review status: criteria provided, single submitter. Criteria: Invitae Variant Classification Sherloc (09022015). Collection method: clinical testing. Allele origin: germline.
Comment: This sequence change replaces alanine, which is neutral and non-polar, with valine, which is neutral and non-polar, at codon 1706 of the FASN protein (p.Ala1706Val). This variant is present in population databases (rs773684317, gnomAD 0.02%). This variant has not been reported in the literature in individuals affected with FASN-related conditions. ClinVar contains an entry for this variant (Variation ID: 567458). An algorithm developed to predict the effect of missense changes on protein structure and function outputs the following: PolyPhen-2: "Benign". The valine amino acid residue is found in multiple mammalian species, which suggests that this missense change does not adversely affect protein function. In summary, the available evidence is currently insufficient to determine the role of this variant in disease. Therefore, it has been classified as a Variant of Uncertain Significance.